The following is an entry in ClinVar:

ClinVar aggregate classification (germline): Likely pathogenic (1 of 4 stars; one submission).

Conditions:
Retinal dystrophy. Also called: Inherited retinal dystrophy. Identifiers: Orphanet 71862, MedGen C0854723, MeSH D058499, MONDO:0019118, HP:0000556.

gnomAD v4.1: 1 of 1,614,216 alleles (0.000062%); highest among the groups gnomAD compares: South Asian, 0.0011%; no homozygotes.

Submission:

Ophthalmic Genetics Group, Institute of Molecular and Clinical Ophthalmology Basel
Classification: Likely pathogenic for Retinal dystrophy. Last evaluated: 2024-05-27. Review status: criteria provided, single submitter. Criteria: ACMG Guidelines, 2015. Collection method: research. Allele origin: germline. Affected: yes. Observed: 2 variant alleles.
Comment: This variant was classified as Likely pathogenic based on ACMG criteria: PM1_mod, PM2_sup, PM3_sup, PP1_strong and PP2_sup

Literature cited by the submitters: PubMed 40180963.

NM_001166114.2(PNPLA6):c.3488G>T (p.Ser1163Ile)

Gene: PNPLA6 (patatin like domain 6, lysophospholipase; plus strand). Cytogenetic location: 19p13.2.
Variant type: single nucleotide variant.
Coding change: c.3488G>T on transcript NM_001166114.2 (MANE Select); coding-DNA position 3488, G replaced by T.
Protein change: p.Ser1163Ile; replaces serine 1163 with isoleucine.
Molecular consequence: missense variant.
Genome position (GRCh38, 1-based): chr19:7,558,940, G>T. VCF-style: chr19-7558940-G-T. GRCh37 (hg19) VCF-style: chr19-7623826-G-T.
Other names: NC_000019.9:g.7623826G>T; NP_001159586.1:p.(Ser1163Ile); c.3518G>T, p.Ser1173Ile (NM_001166111.2); c.3293G>T, p.Ser1098Ile (NM_001166112.2); c.3374G>T, p.Ser1125Ile (NM_001166113.1, NM_006702.5); short protein forms S1098I, S1125I, S1163I, S1173I.
Identifiers: ClinVar variation 3381817 (VCV003381817.2).